The following is an entry in ClinVar:

NM_003072.5(SMARCA4):c.4550A>G (p.His1517Arg)

Gene: SMARCA4 (SWI/SNF related BAF chromatin remodeling complex subunit ATPase 4; plus strand). Cytogenetic location: 19p13.2.
Variant type: single nucleotide variant.
Coding change: c.4550A>G on transcript NM_003072.5 (MANE Select); coding-DNA position 4550, A replaced by G.
Protein change: p.His1517Arg; replaces histidine 1517 with arginine.
Molecular consequence: missense variant. On other transcripts: non-coding transcript variant (1).
Genome position (GRCh38, 1-based): chr19:11,058,804, A>G. VCF-style: chr19-11058804-A-G. GRCh37 (hg19) VCF-style: chr19-11169480-A-G.
Other names: c.4550A>G, p.His1517Arg (NM_001128844.3); c.4460A>G, p.His1487Arg (NM_001128845.2); c.4457A>G, p.His1486Arg (NM_001128846.2); c.4451A>G, p.His1484Arg (NM_001128847.4, NM_001374457.1); c.4448A>G, p.His1483Arg (NM_001128848.2); c.4646A>G, p.His1549Arg (NM_001128849.3, NM_001387283.1); c.4547A>G, p.His1516Arg (NM_001411150.1); short protein forms H1487R, H1549R, H1484R, H1486R, H1483R, H1516R, H1517R.
Identifiers: ClinVar variation 3320731 (VCV003320731.1).

ClinVar aggregate classification (germline): Uncertain significance (1 of 4 stars; one submission).

Conditions:
Hereditary cancer-predisposing syndrome. Also called: Neoplastic Syndromes, Hereditary; Tumor predisposition; Hereditary neoplastic syndrome; Hereditary Cancer Syndrome. Identifiers: Orphanet 140162, MedGen C0027672, MeSH D009386, MONDO:0015356.

Submission:

Ambry Genetics
Classification: Uncertain significance for Hereditary cancer-predisposing syndrome. Last evaluated: 2024-04-27. Review status: criteria provided, single submitter. Criteria: Ambry Variant Classification Scheme 2023. Collection method: clinical testing. Allele origin: germline.
Comment: The p.H1549R variant (also known as c.4646A>G), located in coding exon 32 of the SMARCA4 gene, results from an A to G substitution at nucleotide position 4646. The histidine at codon 1549 is replaced by arginine, an amino acid with highly similar properties. This amino acid position is conserved. In addition, this alteration is predicted to be tolerated by in silico analysis. Based on the available evidence, the clinical significance of this variant remains unclear.